The following is an entry in ClinVar:

ClinVar aggregate classification (germline): Benign/Likely benign. Review status: criteria provided, multiple submitters, no conflicts (2 of 4 stars). 7 submissions from 7 submitters: Benign (6); Likely benign (1). Last evaluated 2026-02-03.

Conditions:
Ichthyosis linearis circumflexa. Identifiers: MedGen C0265962, MONDO:0043106, HP:0025810.
Netherton syndrome (NETH). Also called: ERYTHRODERMA, ICHTHYOSIFORM, WITH HYPOTRICHOSIS AND HYPER-IgE; COMEL-NETHERTON SYNDROME; NETHERTON DISEASE. Identifiers: Orphanet 634, MedGen C5574950, MONDO:0009735, OMIM 256500.

Allele frequency attached by ClinVar (database versions not stated): ESP Exome Variant Server 0.02634; gnomAD 0.03431 and 0.03670; TOPMed 0.03464; gnomAD exomes 0.03993 and 0.04532; ExAC 0.04478; 1000 Genomes Project 30x 0.05137; 1000 Genomes Project 0.05391.
gnomAD v4.1: 63,774 of 1,613,784 alleles (4%); highest among the groups gnomAD compares: East Asian, 15%; 1,782 homozygotes.

Submissions (7):

Labcorp Genetics (formerly Invitae), Labcorp
Classification: Benign for Ichthyosis linearis circumflexa. Last evaluated: 2026-02-03. Review status: criteria provided, single submitter. Criteria: Invitae Variant Classification Sherloc (09022015). Collection method: clinical testing. Allele origin: germline.

Women's Health and Genetics/Laboratory Corporation of America, LabCorp
Classification: Benign. Last evaluated: 2026-01-21. Review status: criteria provided, single submitter. Criteria: LabCorp Variant Classification Summary - May 2015. Collection method: clinical testing. Allele origin: germline.

Blueprint Genetics
Classification: Likely benign. Last evaluated: 2024-11-26. Review status: criteria provided, single submitter. Criteria: ACMG Guidelines, 2015. Collection method: clinical testing. Allele origin: germline.

Mayo Clinic Laboratories, Mayo Clinic
Classification: Benign. Last evaluated: 2019-09-24. Review status: criteria provided, single submitter. Criteria: ACMG Guidelines, 2015. Collection method: clinical testing. Allele origin: germline. Observed: 12 variant alleles.

Illumina Laboratory Services, Illumina
Classification: Benign for Netherton syndrome. Last evaluated: 2018-01-12. Review status: criteria provided, single submitter. Criteria: ICSL Variant Classification Criteria 13 December 2019. Collection method: clinical testing. Allele origin: germline.
Comment: This variant was observed in the ICSL laboratory as part of a predisposition screen in an ostensibly healthy population. It had not been previously curated by ICSL or reported in the Human Gene Mutation Database (HGMD: prior to June 1st, 2018), and was therefore a candidate for classification through an automated scoring system. Utilizing variant allele frequency, disease prevalence and penetrance estimates, and inheritance mode, an automated score was calculated to assess if this variant is too frequent to cause the disease. Based on the score and internal cut-off values, a variant classified as benign is not then subjected to further curation. The score for this variant resulted in a classification of benign for this disease.

GeneDx
Classification: Benign. Last evaluated: 2014-01-08. Review status: criteria provided, single submitter. Criteria: GeneDx Variant Classification (06012015). Collection method: clinical testing. Allele origin: germline. Affected: yes.
Comment: This variant is considered likely benign or benign based on one or more of the following criteria: it is a conservative change, it occurs at a poorly conserved position in the protein, it is predicted to be benign by multiple in silico algorithms, and/or has population frequency not consistent with disease.

PreventionGenetics, part of Exact Sciences
Classification: Benign. Review status: criteria provided, single submitter. Criteria: ACMG Guidelines, 2015. Collection method: clinical testing. Allele origin: germline.

NM_006846.4(SPINK5):c.1851T>C (p.Ala617=)

Gene: SPINK5 (serine peptidase inhibitor Kazal type 5; plus strand). Cytogenetic location: 5q32.
Variant type: single nucleotide variant.
Coding change: c.1851T>C on transcript NM_006846.4 (MANE Select); coding-DNA position 1851, T replaced by C.
Protein change: p.Ala617=; no amino-acid change (alanine 617 retained).
Molecular consequence: synonymous variant.
Genome position (GRCh38, 1-based): chr5:148,112,898, T>C. VCF-style: chr5-148112898-T-C. GRCh37 (hg19) VCF-style: chr5-147492461-T-C.
Other names: p.A617A:GCT>GCC; p.Ala617=; c.1851T>C, p.Ala617= (NM_001127698.2, NM_001127699.2).
Identifiers: ClinVar variation 139261 (VCV000139261.20), dbSNP rs17718737, ClinGen allele CA293705.
Genomic context (GRCh38, chr5:148,112,898, plus strand): 5'-ATGATTGTTTTGTCCTCCCTTTTCTTATAGCCAGCAAGAAGCAAAAGAAAAAGAAAGAGC[T>C]GAACCCAGAGCAAAAGTCAAAAGAGAAGCTGAAAAGGTAGTAATCCTGAATGTTTATACT-3'
Protein context (NP_006837.2, residues 607-627): FQQEAKEKER[Ala617=]EPRAKVKREA